The following is an entry in ClinVar:

NM_000528.4(MAN2B1):c.89dup (p.Pro31fs)

Genes: MAN2B1 (mannosidase alpha class 2B member 1; minus strand), LOC130063650 (ATAC-STARR-seq lymphoblastoid silent region 10156; plus strand). Cytogenetic location: 19p13.13.
Variant type: Duplication.
Coding change: c.89dup on transcript NM_000528.4 (MANE Select); coding-DNA position 89, one base duplicated (C; older notation c.89dupC).
Protein change: p.Pro31fs; shifts the reading frame from proline 31.
Molecular consequence: frameshift variant.
Genome position (GRCh38, 1-based): chr19:12,666,613, G duplicated on the plus strand (C on the coding strand, the reverse complement: MAN2B1 is on the minus strand); the first of 2 consecutive G bases (chr19:12,666,613-12,666,614); duplicating either gives the same sequence. VCF-style (leftmost placement, unchanged base first): chr19-12666612-T-TG. GRCh37 (hg19) VCF-style: chr19-12777426-T-TG.
Other names: c.89dup, p.Pro31fs (NM_001173498.2, NM_001440570.1); short protein forms P31fs.
Identifiers: ClinVar variation 4814322 (VCV004814322.1).
Genomic context (GRCh38, chr19:12,666,612, plus strand): 5'-CCCGGCCCGAGCACCGGCAGCCGCCAGCAACAAAAGGAAAAAGCAGAGAGGCGGGAGCGG[T>TG]GGCCGCAGGGCGCGGGACATGGTCCAGGGGCCTGCTGAGTCCAGGCAGCCGCGAGCGCAG-3'

ClinVar aggregate classification (germline): Likely pathogenic (1 of 4 stars; one submission).

Conditions:
Deficiency of alpha-mannosidase (MANSA). Also called: Alpha-Mannosidosis; Mannosidosis, alpha-, types I and II; LYSOSOMAL ALPHA-D-MANNOSIDASE DEFICIENCY. Identifiers: Orphanet 61, MedGen C0024748, MONDO:0009561, OMIM 248500.

Submission:

Natera, Inc.
Classification: Likely pathogenic for Alpha-mannosidosis. Last evaluated: 2024-04-17. Review status: criteria provided, single submitter. Criteria: Natera Variant Classification Schema (03/2026). Collection method: clinical testing. Allele origin: germline.
Comment: The c.89dupC variant in MAN2B1 is a frameshift variant predicted to shift the reading frame beginning at codon 31 and leads to a stop codon 43 codons downstream. This variant is expected to result in nonsense mediated decay, truncation, or a dysfunctional protein product. This variant is rare in the general population with a frequency below the threshold expected for the associated phenotype(s). Given the available evidence, this variant is classified as Likely Pathogenic.